The following is an entry in ClinVar:

NM_032930.3(CFAP300):c.7A>G (p.Thr3Ala)

Gene: CFAP300 (cilia and flagella associated protein 300; plus strand). Cytogenetic location: 11q22.1.
Variant type: single nucleotide variant.
Coding change: c.7A>G on transcript NM_032930.3 (MANE Select); coding-DNA position 7, A replaced by G.
Protein change: p.Thr3Ala; replaces threonine 3 with alanine.
Molecular consequence: missense variant.
Genome position (GRCh38, 1-based): chr11:102,047,477, A>G. VCF-style: chr11-102047477-A-G. GRCh37 (hg19) VCF-style: chr11-101918208-A-G.
Other names: c.7A>G (NM_032930.2); c.7A>G, p.Thr3Ala (NM_001195005.2, NM_001363505.2); short protein forms T3A.
Identifiers: ClinVar variation 1681443 (VCV001681443.11), dbSNP rs114055321, ClinGen allele CA6245875.

ClinVar aggregate classification (germline): Benign/Likely benign. Review status: criteria provided, multiple submitters, no conflicts (2 of 4 stars). 3 submissions from 3 submitters: Benign (1); Likely benign (1). 1 of the submissions does not count toward it. Last evaluated 2026-02-01.

Conditions:
CFAP300-related disorder. Also called: CFAP300-related condition.

Allele frequency attached by ClinVar (database versions not stated): ExAC 0.00024; gnomAD exomes 0.00029 and 0.00056; 1000 Genomes Project 0.00220; gnomAD 0.00259 and 0.00287; 1000 Genomes Project 30x 0.00265; TOPMed 0.00296.
gnomAD v4.1: 806 of 1,535,794 alleles (0.052%); highest among the groups gnomAD compares: African/African-American, 1%; 3 homozygotes.

Submissions (3):

Labcorp Genetics (formerly Invitae), Labcorp
Classification: Benign. Last evaluated: 2026-02-01. Review status: criteria provided, single submitter. Criteria: Invitae Variant Classification Sherloc (09022015). Collection method: clinical testing. Allele origin: germline.

Blueprint Genetics
Classification: Likely benign. Last evaluated: 2024-11-27. Review status: criteria provided, single submitter. Criteria: ACMG Guidelines, 2015. Collection method: clinical testing. Allele origin: germline.

PreventionGenetics, part of Exact Sciences
Classification: Benign for CFAP300-related condition. Last evaluated: 2019-12-09. Review status: no assertion criteria provided. Collection method: clinical testing. Allele origin: germline. Not counted in ClinVar's aggregate classification.
Comment: This variant is classified as benign based on ACMG/AMP sequence variant interpretation guidelines (Richards et al. 2015 PMID: 25741868, with internal and published modifications).